The following is an entry in ClinVar:

ClinVar aggregate classification (germline): Likely pathogenic (1 of 4 stars; one submission).

Conditions:
Gray platelet syndrome (GPS). Also called: BLEEDING DISORDER, PLATELET-TYPE, 4. Identifiers: Orphanet 721, MedGen C0272302, MONDO:0007686, OMIM 139090.

Submission:

Genetics and Molecular Pathology, SA Pathology
Classification: Likely pathogenic for Gray platelet syndrome. Last evaluated: 2023-07-06. Review status: criteria provided, single submitter. Criteria: ACMG Guidelines, 2015. Collection method: clinical testing. Allele origin: germline. Inheritance: Autosomal recessive inheritance. Affected: yes.
Comment: The NBEAL2 c.5125G>T variant is classified as Likely Pathogenic (PVS1_Strong, PM2) The NBEAL2 c.5125G>T variant is a single nucleotide change which is predicted to result in premature termination of the protein product at codon 1709. This variant is absent from population databases (PM2). This variant has not been reported in dbSNP, ClinVar or HGMD.

NM_015175.3(NBEAL2):c.5125G>T (p.Glu1709Ter)

Gene: NBEAL2 (neurobeachin like 2; plus strand). Cytogenetic location: 3p21.31.
Variant type: single nucleotide variant.
Coding change: c.5125G>T on transcript NM_015175.3 (MANE Select); coding-DNA position 5125, G replaced by T.
Protein change: p.Glu1709Ter; replaces glutamic acid 1709 with a stop codon.
Molecular consequence: nonsense.
Genome position (GRCh38, 1-based): chr3:47,002,262, G>T. VCF-style: chr3-47002262-G-T. GRCh37 (hg19) VCF-style: chr3-47043752-G-T.
Other names: c.5023G>T, p.Glu1675Ter (NM_001365116.2); short protein forms E1675*, E1709*.
Identifiers: ClinVar variation 2664806 (VCV002664806.1), dbSNP rs1222222566, ClinGen allele CA352523297.